The following is an entry in ClinVar:

NM_020347.4(LZTFL1):c.777+7_777+9del

Gene: LZTFL1 (leucine zipper transcription factor like 1; minus strand). Cytogenetic location: 3p21.31.
Variant type: Microsatellite.
Coding change: c.777+7_777+9del on transcript NM_020347.4 (MANE Select); bases 7 to 9 of the intron after coding-DNA position 777, 3 bases deleted (AGA; older notation c.777+7_777+9delAGA).
Molecular consequence: intron variant.
Genome position (GRCh38, 1-based): chr3:45,828,430-45,828,432, TCT deleted on the plus strand (AGA on the coding strand, the reverse complement: LZTFL1 is on the minus strand); deleting any 3 consecutive bases within chr3:45,828,430-45,828,435 gives the same sequence; the c. name uses the placement nearest the transcript's 3' end. VCF-style (leftmost placement, unchanged base first): chr3-45828429-GTCT-G. GRCh37 (hg19) VCF-style: chr3-45869921-GTCT-G.
Other names: c.777+7_777+9delAGA (NM_020347.3); c.801+7_801+9del (NM_001405925.1, NM_001405920.1); c.765+7_765+9del (NM_001276379.2, NM_001405921.1); c.726+7_726+9del (NM_001405927.1, NM_001276378.2, NM_001405926.1 and 4 more transcripts); c.711+7_711+9del (NM_001405924.1); c.777+7_777+9del (NM_001386452.1).
Identifiers: ClinVar variation 2877462 (VCV002877462.4), dbSNP rs1404264671, ClinGen allele CA907500734.
Genomic context (GRCh38, chr3:45,828,429, plus strand): 5'-ATGTATTCCTCTATACTGTGTGCATTAATCATGCATTAACAGACAAATCCCTTAAACATG[GTCT>G]TCTGACCTTTTCAGCCATGTGCAGCTGCTCCTGAACCCTGAGTAGATCGTGCTTGGCTGT-3'

ClinVar aggregate classification (germline): Likely benign. Review status: criteria provided, single submitter (1 of 4 stars). 2 submissions from 2 submitters: Likely benign (1). 1 of the submissions does not count toward it. Last evaluated 2024-10-21.

Conditions:
LZTFL1-related disorder. Also called: LZTFL1-related condition.

Submissions (2):

Labcorp Genetics (formerly Invitae), Labcorp
Classification: Likely benign. Last evaluated: 2024-10-21. Review status: criteria provided, single submitter. Criteria: Invitae Variant Classification Sherloc (09022015). Collection method: clinical testing. Allele origin: germline.

PreventionGenetics, part of Exact Sciences
Classification: Likely benign for LZTFL1-related condition. Last evaluated: 2020-03-18. Review status: no assertion criteria provided. Collection method: clinical testing. Allele origin: germline. Not counted in ClinVar's aggregate classification.
Comment: This variant is classified as likely benign based on ACMG/AMP sequence variant interpretation guidelines (Richards et al. 2015 PMID: 25741868, with internal and published modifications).